The following is an entry in ClinVar:

NM_000135.4(FANCA):c.262A>C (p.Asn88His)

Gene: FANCA (FA complementation group A; minus strand). Cytogenetic location: 16q24.3.
Variant type: single nucleotide variant.
Coding change: c.262A>C on transcript NM_000135.4 (MANE Select); coding-DNA position 262, A replaced by C.
Protein change: p.Asn88His; replaces asparagine 88 with histidine.
Molecular consequence: missense variant.
Genome position (GRCh38, 1-based): chr16:89,814,541, T>G on the plus strand (A>C on the coding strand, the complement: FANCA is on the minus strand). VCF-style: chr16-89814541-T-G. GRCh37 (hg19) VCF-style: chr16-89880949-T-G.
Other names: c.262A>C, p.Asn88His (NM_001018112.3, NM_001286167.3, NM_001351830.2); short protein forms N88H.
Identifiers: ClinVar variation 4619300 (VCV004619300.1).
Genomic context (GRCh38, chr16:89,814,541, plus strand): 5'-TCTGCAATTCAAAATAGAGAAAATGAAGCTATAACTTACCTATAAATGAACTAGAATGAT[T>G]AGCATAGGCCTCAGAACTGTCACAGTCAATCACTTTGCTGAGAGACAATTTTTTACACAG-3'
Protein context (NP_000126.2, residues 78-98): IDCDSSEAYA[Asn88His]HSSSFIGSAL

ClinVar aggregate classification (germline): Uncertain significance (1 of 4 stars; one submission).

Conditions:
Inborn genetic diseases. Identifiers: MedGen C0950123, MeSH D030342.

gnomAD v4.1: 1 of 1,612,978 alleles (0.000062%); highest among the groups gnomAD compares: African/African-American, 0.0013%; no homozygotes.

Submission:

Ambry Genetics
Classification: Uncertain significance for Inborn genetic diseases. Last evaluated: 2025-12-02. Review status: criteria provided, single submitter. Criteria: Ambry Variant Classification Scheme 2023. Collection method: clinical testing. Allele origin: germline.
Comment: The p.N88H variant (also known as c.262A>C), located in coding exon 3 of the FANCA gene, results from an A to C substitution at nucleotide position 262. The asparagine at codon 88 is replaced by histidine, an amino acid with similar properties. This amino acid position is conserved. In addition, this alteration is predicted to be tolerated by in silico analysis. Based on the available evidence, the clinical significance of this variant remains unclear.